The following is an entry in ClinVar:

NM_001849.4(COL6A2):c.2731C>G (p.Leu911Val)

Gene: COL6A2 (collagen type VI alpha 2 chain; plus strand). Cytogenetic location: 21q22.3.
Variant type: single nucleotide variant.
Coding change: c.2731C>G on transcript NM_001849.4 (MANE Select); coding-DNA position 2731, C replaced by G.
Protein change: p.Leu911Val; replaces leucine 911 with valine.
Molecular consequence: missense variant.
Genome position (GRCh38, 1-based): chr21:46,132,223, C>G. VCF-style: chr21-46132223-C-G. GRCh37 (hg19) VCF-style: chr21-47552137-C-G.
Other names: short protein forms L911V.
Identifiers: ClinVar variation 2560106 (VCV002560106.4), dbSNP rs1280840857, ClinGen allele CA410549346.

ClinVar aggregate classification (germline): Uncertain significance. Review status: criteria provided, multiple submitters, no conflicts (2 of 4 stars). 2 submissions from 2 submitters: Uncertain significance (2). Last evaluated 2025-11-17.

Conditions:
Bethlem myopathy 1A. Also called: MYOPATHY, BENIGN CONGENITAL, WITH CONTRACTURES; Bethlem Muscular Dystrophy; Bethlem myopathy 1. Identifiers: Orphanet 610, MedGen CN029274, MONDO:0024530, OMIM 158810.
Inborn genetic diseases. Identifiers: MedGen C0950123, MeSH D030342.

Submissions (2):

Labcorp Genetics (formerly Invitae), Labcorp
Classification: Uncertain significance for Bethlem myopathy 1A. Last evaluated: 2025-11-17. Review status: criteria provided, single submitter. Criteria: Invitae Variant Classification Sherloc (09022015). Collection method: clinical testing. Allele origin: germline.
Comment: This sequence change replaces leucine, which is neutral and non-polar, with valine, which is neutral and non-polar, at codon 911 of the COL6A2 protein (p.Leu911Val). This variant is not present in population databases (gnomAD no frequency). This variant has not been reported in the literature in individuals affected with COL6A2-related conditions. ClinVar contains an entry for this variant (Variation ID: 2560106). Invitae Evidence Modeling of protein sequence and biophysical properties (such as structural, functional, and spatial information, amino acid conservation, physicochemical variation, residue mobility, and thermodynamic stability) indicates that this missense variant is not expected to disrupt COL6A2 protein function with a negative predictive value of 80%. In summary, the available evidence is currently insufficient to determine the role of this variant in disease. Therefore, it has been classified as a Variant of Uncertain Significance.

Ambry Genetics
Classification: Uncertain significance for Inborn genetic diseases. Last evaluated: 2023-06-13. Review status: criteria provided, single submitter. Criteria: Ambry Variant Classification Scheme 2023. Collection method: clinical testing. Allele origin: germline.